The following is an entry in ClinVar:

NM_000384.3(APOB):c.12245A>G (p.Tyr4082Cys)

Gene: APOB (apolipoprotein B; minus strand). Cytogenetic location: 2p24.1.
Variant type: single nucleotide variant.
Coding change: c.12245A>G on transcript NM_000384.3 (MANE Select); coding-DNA position 12245, A replaced by G.
Protein change: p.Tyr4082Cys; replaces tyrosine 4082 with cysteine.
Molecular consequence: missense variant.
Genome position (GRCh38, 1-based): chr2:21,003,177, T>C on the plus strand (A>G on the coding strand, the complement: APOB is on the minus strand). VCF-style: chr2-21003177-T-C. GRCh37 (hg19) VCF-style: chr2-21226049-T-C.
Other names: short protein forms Y4082C.
Identifiers: ClinVar variation 1753768 (VCV001753768.8), dbSNP rs1453395591, ClinGen allele CA345971957.

ClinVar aggregate classification (germline): Conflicting classifications of pathogenicity. Review status: criteria provided, conflicting classifications (1 of 4 stars). 2 submissions from 2 submitters: Uncertain significance (1); Likely benign (1). Last evaluated 2025-06-09.

Conditions:
Familial hypobetalipoproteinemia 1. Also called: APOB-Related Familial Hypobetalipoproteinemia; Hypobetalipoproteinemia, normotriglyceridemic; Acanthocytosis with hypobetalipoproteinemia. Identifiers: MedGen C4551990, MONDO:0014252, OMIM 615558.
Hypercholesterolemia, autosomal dominant, type B (FHCL2). Also called: Hyperlipoproteinemia Type IIb; Familial hypercholesterolemia 2; Familial Hypercholesterolemia Type B; APOLIPOPROTEIN B-100, FAMILIAL DEFECTIVE; APOLIPOPROTEIN B-100, FAMILIAL LIGAND-DEFECTIVE; HYPERCHOLESTEROLEMIA, FAMILIAL, DUE TO LIGAND-DEFECTIVE APOLIPOPROTEIN B. Identifiers: MedGen C1704417, MONDO:0007751, OMIM 144010.
Cardiovascular phenotype. Identifiers: MedGen CN230736.

Allele frequency attached by ClinVar (database versions not stated): gnomAD 0.00001; gnomAD exomes 0.00001; TOPMed 0.00002.
gnomAD v4.1: 11 of 1,613,922 alleles (0.00068%); highest among the groups gnomAD compares: Non-Finnish European, 0.00093%; no homozygotes.

Submissions (2):

Ambry Genetics
Classification: Uncertain significance for Cardiovascular phenotype. Last evaluated: 2025-06-09. Review status: criteria provided, single submitter. Criteria: Ambry Variant Classification Scheme 2023. Collection method: clinical testing. Allele origin: germline.
Comment: The p.Y4082C variant (also known as c.12245A>G), located in coding exon 29 of the APOB gene, results from an A to G substitution at nucleotide position 12245. The tyrosine at codon 4082 is replaced by cysteine, an amino acid with some highly dissimilar properties. This variant was not reported in population based cohorts in the following databases: Database of Single Nucleotide Polymorphisms (dbSNP), Exome Aggregation Consortium (ExAC), NHLBI Exome Sequencing Project (ESP), and 1000 Genomes Project. In the ESP, this variant was not observed in 6503 samples (13006 alleles) with coverage at this position. This amino acid position is well conserved in available vertebrate species. In addition, this alteration is predicted to be tolerated by in silico analysis. Since supporting evidence is limited at this time, the clinical significance of this alteration remains unclear.

Labcorp Genetics (formerly Invitae), Labcorp
Classification: Likely benign for Familial hypobetalipoproteinemia 1; Hypercholesterolemia, autosomal dominant, type B. Last evaluated: 2024-07-10. Review status: criteria provided, single submitter. Criteria: Invitae Variant Classification Sherloc (09022015). Collection method: clinical testing. Allele origin: germline.